The following is an entry in ClinVar:

NM_001079872.2(CUL4B):c.945G>A (p.Arg315=)

Gene: CUL4B (cullin 4B; minus strand). Cytogenetic location: Xq24.
Variant type: single nucleotide variant.
Coding change: c.945G>A on transcript NM_001079872.2 (MANE Select); coding-DNA position 945, G replaced by A.
Protein change: p.Arg315=; no amino-acid change (arginine 315 retained).
Molecular consequence: synonymous variant.
Genome position (GRCh38, 1-based): chrX:120,544,619, C>T on the plus strand (G>A on the coding strand, the complement: CUL4B is on the minus strand). VCF-style: chrX-120544619-C-T. GRCh37 (hg19) VCF-style: chrX-119678474-C-T.
Other names: c.960G>A, p.Arg320= (NM_001330624.2); c.411G>A, p.Arg137= (NM_001369145.1); c.999G>A, p.Arg333= (NM_003588.4).
Identifiers: ClinVar variation 3354447 (VCV003354447.1).
Genomic context (GRCh38, chrX:120,544,619, plus strand): 5'-CAAGAGAAGAATGCCATCAATTGTCTTATTCTGCACTTTCTGATCACTTATAATATGAGC[C>T]CTAAATAACTCCAGTCCCATGTCCCTAAAATAAAAAACACATATAACCTAAATTAATTGA-3'
Protein context (NP_001073341.1, residues 305-325): SIWDMGLELF[Arg315=]AHIISDQKVQ

ClinVar aggregate classification (germline): Likely benign (0 of 4 stars; one submission).

Conditions:
CUL4B-related disorder. Also called: CUL4B-related condition.

gnomAD v4.1: 3 of 1,205,493 alleles (0.00025%); highest among the groups gnomAD compares: Non-Finnish European, 0.00034%; no homozygotes.

Submission:

PreventionGenetics, part of Exact Sciences
Classification: Likely benign for CUL4B-related condition. Last evaluated: 2022-09-20. Review status: no assertion criteria provided. Collection method: clinical testing. Allele origin: germline.
Comment: This variant is classified as likely benign based on ACMG/AMP sequence variant interpretation guidelines (Richards et al. 2015 PMID: 25741868, with internal and published modifications).